The following is an entry in ClinVar:

ClinVar aggregate classification (germline): Conflicting classifications of pathogenicity. Review status: criteria provided, conflicting classifications (1 of 4 stars). 4 submissions from 4 submitters: Uncertain significance (2); Likely benign (2). Last evaluated 2025-12-16.

Conditions:
PKHD1-related disorder. Also called: PKHD1-related condition.
Autosomal recessive polycystic kidney disease (ARPKD). Also called: AR polycystic kidney disease. Identifiers: Orphanet 731, Orphanet 8378, MedGen C0085548, MeSH D017044, MONDO:0009889.

Allele frequency attached by ClinVar (database versions not stated): gnomAD 0.00010; TOPMed 0.00012.
gnomAD v4.1: 103 of 1,608,170 alleles (0.0064%); highest among the groups gnomAD compares: Admixed American, 0.17%; no homozygotes.

Submissions (4):

Labcorp Genetics (formerly Invitae), Labcorp
Classification: Likely benign for Autosomal recessive polycystic kidney disease. Last evaluated: 2025-12-16. Review status: criteria provided, single submitter. Criteria: Invitae Variant Classification Sherloc (09022015). Collection method: clinical testing. Allele origin: germline.

PreventionGenetics, part of Exact Sciences
Classification: Likely benign for PKHD1-related condition. Last evaluated: 2025-07-22. Review status: criteria provided, single submitter. Criteria: ACMG Guidelines, 2015. Collection method: clinical testing. Allele origin: germline.
Comment: This variant is classified as likely benign based on ACMG/AMP sequence variant interpretation guidelines (Richards et al. 2015 PMID: 25741868, with internal and published modifications).

Mayo Clinic Laboratories, Mayo Clinic
Classification: Uncertain significance. Last evaluated: 2024-06-06. Review status: criteria provided, single submitter. Criteria: ACMG Guidelines, 2015. Collection method: clinical testing. Allele origin: germline. Observed: 1 variant allele.
Comment: PM2

Eurofins Ntd Llc (ga)
Classification: Uncertain significance. Last evaluated: 2018-09-18. Review status: criteria provided, single submitter. Criteria: EGL ClinVar v180209 classification definitions. Collection method: clinical testing. Allele origin: germline. Observed: 2 variant alleles, 1 heterozygote, 1 homozygote.

NM_138694.4(PKHD1):c.6741C>G (p.Cys2247Trp)

Gene: PKHD1 (PKHD1 ciliary IPT domain containing fibrocystin/polyductin; minus strand). Cytogenetic location: 6p12.2.
Variant type: single nucleotide variant.
Coding change: c.6741C>G on transcript NM_138694.4 (MANE Select); coding-DNA position 6741, C replaced by G.
Protein change: p.Cys2247Trp; replaces cysteine 2247 with tryptophan.
Molecular consequence: missense variant.
Genome position (GRCh38, 1-based): chr6:51,906,282, G>C on the plus strand (C>G on the coding strand, the complement: PKHD1 is on the minus strand). VCF-style: chr6-51906282-G-C. GRCh37 (hg19) VCF-style: chr6-51771080-G-C.
Other names: p.Cys2247Trp; c.6741C>G, p.Cys2247Trp (NM_170724.3); short protein forms C2247W.
Identifiers: ClinVar variation 569934 (VCV000569934.18), dbSNP rs750190287, ClinGen allele CA3852189.